The following is an entry in ClinVar:

ClinVar aggregate classification (germline): Uncertain significance (1 of 4 stars; one submission).

Allele frequency attached by ClinVar (database versions not stated): TOPMed below 0.00001; ExAC 0.00001; gnomAD 0.00001; gnomAD exomes 0.00001.
gnomAD v4.1: 15 of 1,612,216 alleles (0.00093%); highest among the groups gnomAD compares: Non-Finnish European, 0.0011%; no homozygotes.

Submission:

Labcorp Genetics (formerly Invitae), Labcorp
Classification: Uncertain significance. Last evaluated: 2023-11-10. Review status: criteria provided, single submitter. Criteria: Invitae Variant Classification Sherloc (09022015). Collection method: clinical testing. Allele origin: germline.
Comment: This sequence change replaces glycine, which is neutral and non-polar, with arginine, which is basic and polar, at codon 3249 of the HMCN1 protein (p.Gly3249Arg). This variant is present in population databases (rs781034354, gnomAD 0.003%). This variant has not been reported in the literature in individuals affected with HMCN1-related conditions. An algorithm developed to predict the effect of missense changes on protein structure and function (PolyPhen-2) suggests that this variant is likely to be disruptive. In summary, the available evidence is currently insufficient to determine the role of this variant in disease. Therefore, it has been classified as a Variant of Uncertain Significance.

NM_031935.3(HMCN1):c.9745G>C (p.Gly3249Arg)

Gene: HMCN1 (hemicentin 1; plus strand). Cytogenetic location: 1q31.1.
Variant type: single nucleotide variant.
Coding change: c.9745G>C on transcript NM_031935.3 (MANE Select); coding-DNA position 9745, G replaced by C.
Protein change: p.Gly3249Arg; replaces glycine 3249 with arginine.
Molecular consequence: missense variant.
Genome position (GRCh38, 1-based): chr1:186,090,775, G>C. VCF-style: chr1-186090775-G-C. GRCh37 (hg19) VCF-style: chr1-186059907-G-C.
Other names: short protein forms G3249R.
Identifiers: ClinVar variation 2874207 (VCV002874207.3), dbSNP rs781034354, ClinGen allele CA1293535.
Genomic context (GRCh38, chr1:186,090,775, plus strand): 5'-ATCCTGTGTCTTGTTAATGAAATTCCTAATTATTTCTCCAAAGTTCCTCCAAGTGTTGCT[G>C]GTGCTGAAATTCCAAGTGATGTCAGTGTCCTTCTAGGAGAAAATGTTGAGCTGGTCTGCA-3'
Protein context (NP_114141.2, residues 3239-3259): LSIQVPPSVA[Gly3249Arg]AEIPSDVSVL